The following is an entry in ClinVar:

NM_006231.4(POLE):c.6736A>C (p.Ile2246Leu)

Gene: POLE (DNA polymerase epsilon, catalytic subunit; minus strand). Cytogenetic location: 12q24.33.
Variant type: single nucleotide variant.
Coding change: c.6736A>C on transcript NM_006231.4 (MANE Select); coding-DNA position 6736, A replaced by C.
Protein change: p.Ile2246Leu; replaces isoleucine 2246 with leucine.
Molecular consequence: missense variant.
Genome position (GRCh38, 1-based): chr12:132,624,916, T>G on the plus strand (A>C on the coding strand, the complement: POLE is on the minus strand). VCF-style: chr12-132624916-T-G. GRCh37 (hg19) VCF-style: chr12-133201502-T-G.
Other names: short protein forms I2246L.
Identifiers: ClinVar variation 3422183 (VCV003422183.1).
Genomic context (GRCh38, chr12:132,624,916, plus strand): 5'-GGAGGCCAAGGAGGCCAGGCTGAGCCGAGGCAGATGAGGGAGAGCCCACCTGGGTGTGGA[T>G]GGTGAGGGCGAAGTCTCCCGCGCAGCTGCAGTACACAGGCATGCTGGTCTCCTTCACCCC-3'
Protein context (NP_006222.2, residues 2236-2256): CSCAGDFALT[Ile2246Leu]HTQVFMEQIG

ClinVar aggregate classification (germline): Uncertain significance (1 of 4 stars; one submission).

Conditions:
Hereditary cancer-predisposing syndrome. Also called: Neoplastic Syndromes, Hereditary; Tumor predisposition; Hereditary Cancer Syndrome; Hereditary neoplastic syndrome. Identifiers: Orphanet 140162, MedGen C0027672, MeSH D009386, MONDO:0015356.

Submission:

Ambry Genetics
Classification: Uncertain significance for Hereditary cancer-predisposing syndrome. Last evaluated: 2024-09-26. Review status: criteria provided, single submitter. Criteria: Ambry Variant Classification Scheme 2023. Collection method: clinical testing. Allele origin: germline.
Comment: The p.I2246L variant (also known as c.6736A>C), located in coding exon 48 of the POLE gene, results from an A to C substitution at nucleotide position 6736. The isoleucine at codon 2246 is replaced by leucine, an amino acid with highly similar properties. This amino acid position is conserved. In addition, this alteration is predicted to be tolerated by in silico analysis. Based on the available evidence, the clinical significance of this variant remains unclear.